The following is an entry in ClinVar:

NM_004055.5(CAPN5):c.1561G>T (p.Val521Leu)

Gene: CAPN5 (calpain 5; plus strand). Cytogenetic location: 11q13.5.
Variant type: single nucleotide variant.
Coding change: c.1561G>T on transcript NM_004055.5 (MANE Select); coding-DNA position 1561, G replaced by T.
Protein change: p.Val521Leu; replaces valine 521 with leucine.
Molecular consequence: missense variant. On other transcripts: non-coding transcript variant (1).
Genome position (GRCh38, 1-based): chr11:77,122,007, G>T. VCF-style: chr11-77122007-G-T. GRCh37 (hg19) VCF-style: chr11-76833053-G-T.
Other names: c.1681G>T, p.Val561Leu (NM_001425321.1); c.1561G>T, p.Val521Leu (NM_001425322.1); c.1429G>T, p.Val477Leu (NM_001425323.1); short protein forms V521L, V477L, V561L.
Identifiers: ClinVar variation 3661601 (VCV003661601.2).

ClinVar aggregate classification (germline): Uncertain significance (1 of 4 stars; one submission).

Submission:

Labcorp Genetics (formerly Invitae), Labcorp
Classification: Uncertain significance. Last evaluated: 2024-08-06. Review status: criteria provided, single submitter. Criteria: Invitae Variant Classification Sherloc (09022015). Collection method: clinical testing. Allele origin: germline.
Comment: This sequence change replaces valine, which is neutral and non-polar, with leucine, which is neutral and non-polar, at codon 521 of the CAPN5 protein (p.Val521Leu). This variant is not present in population databases (gnomAD no frequency). This variant has not been reported in the literature in individuals affected with CAPN5-related conditions. An algorithm developed to predict the effect of missense changes on protein structure and function (PolyPhen-2) suggests that this variant is likely to be tolerated. In summary, the available evidence is currently insufficient to determine the role of this variant in disease. Therefore, it has been classified as a Variant of Uncertain Significance.